The following is an entry in ClinVar:

NM_020778.5(ALPK3):c.4037G>T (p.Cys1346Phe)

Gene: ALPK3 (alpha kinase 3; plus strand). Cytogenetic location: 15q25.3.
Variant type: single nucleotide variant.
Coding change: c.4037G>T on transcript NM_020778.5 (MANE Select); coding-DNA position 4037, G replaced by T.
Protein change: p.Cys1346Phe; replaces cysteine 1346 with phenylalanine.
Molecular consequence: missense variant.
Genome position (GRCh38, 1-based): chr15:84,859,847, G>T. VCF-style: chr15-84859847-G-T. GRCh37 (hg19) VCF-style: chr15-85403078-G-T.
Other names: short protein forms C1346F.
Identifiers: ClinVar variation 4804957 (VCV004804957.1).
Genomic context (GRCh38, chr15:84,859,847, plus strand): 5'-AGGGGCCGGCGGCCTTGGCCATCGTGCAGGCCTCCCCCGTAGACTGCGGTGTGTATCGGT[G>T]CACCATCCACAATGAGCACGGCTCGGCCTCCACCGACTTCTGCCTCAGCCCTGAGGGTGA-3'
Protein context (NP_065829.4, residues 1336-1356): ASPVDCGVYR[Cys1346Phe]TIHNEHGSAS

ClinVar aggregate classification (germline): Uncertain significance (1 of 4 stars; one submission).

Submission:

Labcorp Genetics (formerly Invitae), Labcorp
Classification: Uncertain significance. Last evaluated: 2025-06-25. Review status: criteria provided, single submitter. Criteria: Invitae Variant Classification Sherloc (09022015). Collection method: clinical testing. Allele origin: germline.
Comment: This sequence change replaces cysteine, which is neutral and slightly polar, with phenylalanine, which is neutral and non-polar, at codon 1548 of the ALPK3 protein (p.Cys1548Phe). This variant is not present in population databases (gnomAD no frequency). This variant has not been reported in the literature in individuals affected with ALPK3-related conditions. Invitae Evidence Modeling of protein sequence and biophysical properties (such as structural, functional, and spatial information, amino acid conservation, physicochemical variation, residue mobility, and thermodynamic stability) indicates that this missense variant is expected to disrupt ALPK3 protein function with a positive predictive value of 80%. In summary, the available evidence is currently insufficient to determine the role of this variant in disease. Therefore, it has been classified as a Variant of Uncertain Significance.